The following is an entry in ClinVar:

ClinVar aggregate classification (germline): Likely pathogenic (1 of 4 stars; one submission).

Conditions:
Atypical hemolytic-uremic syndrome. Identifiers: Orphanet 2134, MedGen C2931788, MONDO:0016244.

Submission:

Genomenon, Inc
Classification: Likely pathogenic for Atypical hemolytic-uremic syndrome. Last evaluated: 2026-09-17. Review status: criteria provided, single submitter. Criteria: Genomenon Sequence Variant Interpretation Standards - Updated. Collection method: curation. Allele origin: germline. Affected: yes.
Comment: DGKE p.Cys138Tyr (c.413G>A) is a missense variant that changes the amino acid at codon 138 from Cysteine to Tyrosine. This variant has been observed in at least one proband affected with atypical hemolytic-uremic syndrome (PMID:33238263). The variant was found to segregate with disease in at least one affected family (PMID:33238263). This variant is located in a mutational hotspot and/or important functional domain. It is absent or not present at a significant frequency in gnomAD. In silico models predict that this variant is possibly or probably damaging. In conclusion, we classify DGKE p.Cys138Tyr (c.413G>A) as a likely pathogenic variant.

Literature cited by the submitters: PubMed 33238263.

NM_003647.3(DGKE):c.413G>A (p.Cys138Tyr)

Gene: DGKE (diacylglycerol kinase epsilon; plus strand). Cytogenetic location: 17q22.
Variant type: single nucleotide variant.
Coding change: c.413G>A on transcript NM_003647.3 (MANE Select); coding-DNA position 413, G replaced by A.
Protein change: p.Cys138Tyr; replaces cysteine 138 with tyrosine.
Molecular consequence: missense variant.
Genome position (GRCh38, 1-based): chr17:56,835,208, G>A. VCF-style: chr17-56835208-G-A. GRCh37 (hg19) VCF-style: chr17-54912569-G-A.
Other names: short protein forms C138Y.
Identifiers: ClinVar variation 4280355 (VCV004280355.2).